The following is an entry in ClinVar:

NM_015662.3(IFT172):c.4487G>T (p.Cys1496Phe)

Gene: IFT172 (intraflagellar transport 172; minus strand). Cytogenetic location: 2p23.3.
Variant type: single nucleotide variant.
Coding change: c.4487G>T on transcript NM_015662.3 (MANE Select); coding-DNA position 4487, G replaced by T.
Protein change: p.Cys1496Phe; replaces cysteine 1496 with phenylalanine.
Molecular consequence: missense variant.
Genome position (GRCh38, 1-based): chr2:27,447,864, C>A on the plus strand (G>T on the coding strand, the complement: IFT172 is on the minus strand). VCF-style: chr2-27447864-C-A. GRCh37 (hg19) VCF-style: chr2-27670731-C-A.
Other names: short protein forms C1496F.
Identifiers: ClinVar variation 1311116 (VCV001311116.11), dbSNP rs149435148, ClinGen allele CA1579595.
Genomic context (GRCh38, chr2:27,447,864, plus strand): 5'-TTCCTCACCAGGTTGAAGAGGACATCTCGAAGATCAGCCCAGCTATGATAGGCCTCGGCA[C>A]AGTTGGTTCCAGGAGAGCTCACCATGTCAGTGAAGATCCTTTTGTAGATATTGAAGTTCT-3'
Protein context (NP_056477.1, residues 1486-1506): TDMVSSPGTN[Cys1496Phe]AEAYHSWADL

ClinVar aggregate classification (germline): Uncertain significance. Review status: criteria provided, multiple submitters, no conflicts (2 of 4 stars). 4 submissions from 4 submitters: Uncertain significance (3). 1 of the submissions does not count toward it. Last evaluated 2024-02-07.

Conditions:
IFT172-related disorder. Also called: IFT172-related condition; IFT172-related disorders.
Short-rib thoracic dysplasia 10 with or without polydactyly (SRTD10). Identifiers: Orphanet 474, MedGen C3810175, MONDO:0014284, OMIM 615630.
Retinitis pigmentosa 71 (RP71). Identifiers: Orphanet 791, MedGen C4225342, MONDO:0014618, OMIM 616394.
Bardet-Biedl syndrome 20. Identifiers: MedGen C4310707, MONDO:0023670, OMIM 619471, MONDO:0014926.

Allele frequency attached by ClinVar (database versions not stated): ExAC 0.00002; ESP Exome Variant Server 0.00015.
gnomAD v4.1: 3 of 1,613,860 alleles (0.00019%); highest among the groups gnomAD compares: African/African-American, 0.004%; no homozygotes.

Submissions (4):

Fulgent Genetics
Classification: Uncertain significance for Short-rib thoracic dysplasia 10 with or without polydactyly; Retinitis pigmentosa 71; Bardet-Biedl syndrome 20. Last evaluated: 2024-02-07. Review status: criteria provided, single submitter. Criteria: ACMG Guidelines, 2015. Collection method: clinical testing. Allele origin: germline.

Labcorp Genetics (formerly Invitae), Labcorp
Classification: Uncertain significance for Retinitis pigmentosa 71; Short-rib thoracic dysplasia 10 with or without polydactyly. Last evaluated: 2022-10-18. Review status: criteria provided, single submitter. Criteria: Invitae Variant Classification Sherloc (09022015). Collection method: clinical testing. Allele origin: germline.
Comment: In summary, the available evidence is currently insufficient to determine the role of this variant in disease. Therefore, it has been classified as a Variant of Uncertain Significance. Advanced modeling of protein sequence and biophysical properties (such as structural, functional, and spatial information, amino acid conservation, physicochemical variation, residue mobility, and thermodynamic stability) performed at Invitae indicates that this missense variant is not expected to disrupt IFT172 protein function. ClinVar contains an entry for this variant (Variation ID: 1311116). This variant has not been reported in the literature in individuals affected with IFT172-related conditions. This variant is present in population databases (rs149435148, gnomAD 0.01%). This sequence change replaces cysteine, which is neutral and slightly polar, with phenylalanine, which is neutral and non-polar, at codon 1496 of the IFT172 protein (p.Cys1496Phe).

GeneDx
Classification: Uncertain significance. Last evaluated: 2020-01-09. Review status: criteria provided, single submitter. Criteria: GeneDx Variant Classification Process June 2021. Collection method: clinical testing. Allele origin: germline. Affected: yes.
Comment: In silico analysis, which includes protein predictors and evolutionary conservation, supports that this variant does not alter protein structure/function; Has not been previously published as pathogenic or benign to our knowledge

PreventionGenetics, part of Exact Sciences
Classification: Uncertain significance for IFT172-related condition. Last evaluated: 2024-08-08. Review status: no assertion criteria provided. Collection method: clinical testing. Allele origin: germline. Not counted in ClinVar's aggregate classification.
Comment: The IFT172 c.4487G>T variant is predicted to result in the amino acid substitution p.Cys1496Phe. To our knowledge, this variant has not been reported in the literature. This variant is reported in 0.012% of alleles in individuals of African descent in gnomAD. At this time, the clinical significance of this variant is uncertain due to the absence of conclusive functional and genetic evidence.